The following is an entry in ClinVar:

NM_001370298.3(FGD4):c.2070C>G (p.Ala690=)

Gene: FGD4 (FYVE, RhoGEF and PH domain containing 4; plus strand). Cytogenetic location: 12p11.21.
Variant type: single nucleotide variant.
Coding change: c.2070C>G on transcript NM_001370298.3 (MANE Select); coding-DNA position 2070, C replaced by G.
Protein change: p.Ala690=; no amino-acid change (alanine 690 retained).
Molecular consequence: synonymous variant.
Genome position (GRCh38, 1-based): chr12:32,625,677, C>G. VCF-style: chr12-32625677-C-G. GRCh37 (hg19) VCF-style: chr12-32778611-C-G.
Other names: c.1914C>G, p.Ala638= (NM_001304481.2); c.915C>G, p.Ala305= (NM_001304483.2); c.627C>G, p.Ala209= (NM_001304484.2); c.1380C>G, p.Ala460= (NM_001330373.2, NM_001330374.2, NM_001384130.1); c.1107C>G, p.Ala369= (NM_001370297.1); c.2070C>G, p.Ala690= (NM_001384126.1); c.1659C>G, p.Ala553= (NM_001384127.1, NM_001384128.1, NM_001385118.1 and 1 more transcripts).
Identifiers: ClinVar variation 194438 (VCV000194438.28), dbSNP rs188104446, ClinGen allele CA201184.

ClinVar aggregate classification (germline): Benign/Likely benign. Review status: criteria provided, multiple submitters, no conflicts (2 of 4 stars). 10 submissions from 10 submitters: Benign (4); Likely benign (5). 1 of the submissions does not count toward it. Last evaluated 2026-07-01.

Conditions:
FGD4-related disorder. Also called: FGD4-related condition.
Inborn genetic diseases. Identifiers: MedGen C0950123, MeSH D030342.
Charcot-Marie-Tooth disease. Also called: Charcot-Marie-Tooth Hereditary Neuropathy; Charcot-Marie-Tooth Neuropathy. Identifiers: Orphanet 166, MedGen C0007959, MONDO:0015626.
Charcot-Marie-Tooth disease type 4. Also called: Charcot-Marie-Tooth disease, type IV; Charcot-Marie-Tooth, Type 4. Identifiers: Orphanet 64749, MedGen C4082197, MONDO:0018995.
Charcot-Marie-Tooth disease type 4H (CMT4H). Also called: CHARCOT-MARIE-TOOTH DISEASE, DEMYELINATING, TYPE 4H; CHARCOT-MARIE-TOOTH DISEASE, AUTOSOMAL RECESSIVE, TYPE 4H; CHARCOT-MARIE-TOOTH DISEASE, DEMYELINATING, AUTOSOMAL RECESSIVE, TYPE 4H; CHARCOT-MARIE-TOOTH NEUROPATHY, TYPE 4H. Identifiers: Orphanet 99954, MedGen C1836336, MONDO:0012250, OMIM 609311.

Allele frequency attached by ClinVar (database versions not stated): TOPMed 0.00045; gnomAD exomes 0.00106; 1000 Genomes Project 0.00359; 1000 Genomes Project 30x 0.00375.
gnomAD v4.1: 746 of 1,613,582 alleles (0.046%); highest among the groups gnomAD compares: East Asian, 1.2%; 7 homozygotes.

Submissions (10):

CeGaT Center for Human Genetics Tuebingen
Classification: Likely benign. Last evaluated: 2026-07-01. Review status: criteria provided, single submitter. Criteria: CeGaT Center For Human Genetics Tuebingen Variant Classification Criteria Version 2. Collection method: clinical testing. Allele origin: germline. Affected: yes. Observed: 1 variant allele.
Comment: FGD4: BP4, BP7, BS1

Labcorp Genetics (formerly Invitae), Labcorp
Classification: Benign for Charcot-Marie-Tooth disease type 4. Last evaluated: 2025-12-01. Review status: criteria provided, single submitter. Criteria: Invitae Variant Classification Sherloc (09022015). Collection method: clinical testing. Allele origin: germline.

Athena Diagnostics
Classification: Benign. Last evaluated: 2025-10-03. Review status: criteria provided, single submitter. Criteria: Athena Diagnostics Criteria. Collection method: clinical testing. Allele origin: unknown.
Comment: The frequency of this variant in the general population is higher than would generally be expected for pathogenic variants in this gene.

Blueprint Genetics
Classification: Likely benign. Last evaluated: 2024-11-06. Review status: criteria provided, single submitter. Criteria: ACMG Guidelines, 2015. Collection method: clinical testing. Allele origin: germline.

GeneDx
Classification: Likely benign. Last evaluated: 2019-12-13. Review status: criteria provided, single submitter. Criteria: GeneDx Variant Classification Process June 2021. Collection method: clinical testing. Allele origin: germline. Affected: yes.

Ambry Genetics
Classification: Likely benign for Inborn genetic diseases. Last evaluated: 2019-07-11. Review status: criteria provided, single submitter. Criteria: Ambry Variant Classification Scheme 2023. Collection method: clinical testing. Allele origin: germline.

Illumina Laboratory Services, Illumina
Classification: Benign for Charcot-Marie-Tooth disease type 4H. Last evaluated: 2018-01-12. Review status: criteria provided, single submitter. Criteria: ICSL Variant Classification Criteria 13 December 2019. Collection method: clinical testing. Allele origin: germline.
Comment: This variant was observed in the ICSL laboratory as part of a predisposition screen in an ostensibly healthy population. It had not been previously curated by ICSL or reported in the Human Gene Mutation Database (HGMD: prior to June 1st, 2018), and was therefore a candidate for classification through an automated scoring system. Utilizing variant allele frequency, disease prevalence and penetrance estimates, and inheritance mode, an automated score was calculated to assess if this variant is too frequent to cause the disease. Based on the score and internal cut-off values, a variant classified as benign is not then subjected to further curation. The score for this variant resulted in a classification of benign for this disease.

Eurofins Ntd Llc (ga)
Classification: Benign. Last evaluated: 2015-05-26. Review status: criteria provided, single submitter. Criteria: EGL Classification Definitions 2015. Collection method: clinical testing. Allele origin: germline. Observed: 1 variant allele, 1 heterozygote.

Molecular Genetics Laboratory, London Health Sciences Centre
Classification: Likely benign for Charcot-Marie-Tooth disease. Review status: criteria provided, single submitter. Criteria: ACMG Guidelines, 2015. Collection method: clinical testing. Allele origin: germline. Affected: yes.

PreventionGenetics, part of Exact Sciences
Classification: Benign for FGD4-related condition. Last evaluated: 2024-08-24. Review status: no assertion criteria provided. Collection method: clinical testing. Allele origin: germline. Not counted in ClinVar's aggregate classification.
Comment: This variant is classified as benign based on ACMG/AMP sequence variant interpretation guidelines (Richards et al. 2015 PMID: 25741868, with internal and published modifications).